The following is an entry in ClinVar:

ClinVar aggregate classification (germline): Pathogenic (1 of 4 stars; one submission).

Submission:

ISCA site 4
Classification: Pathogenic. Last evaluated: 2011-08-12. Review status: criteria provided, single submitter. Criteria: Kaminsky et al. (Genet Med. 2011). Collection method: clinical testing. Allele origin: unknown. Affected: yes. Observed: 1 variant allele.
Comment: Copy number variation identified through the course of routine clinical cytogenomic testing in postnatal populations. Clinical assertions have been curated as described in Kaminsky et al. 2011.

GRCh38/hg38 Yp11.2(chrY:2863399-9007152)x2

Genes: TTTY7 (testis expressed transcript, Y-linked 7; plus strand), TTTY8B (testis expressed transcript, Y-linked 8B; minus strand), ZFY (zinc finger protein Y-linked; plus strand), RPS4Y1 (ribosomal protein S4 Y-linked 1; plus strand), LINC00279 (long intergenic non-protein coding RNA 279; plus strand) and 21 more. Cytogenetic location: Yp11.2.
Variant type: copy number gain.
Change: copy number 2 of chrY:2,863,399-9,007,152 (6.14 Mb, GRCh38 coordinates, 1-based), cytogenetic band Yp11.2.
Identifiers: ClinVar variation 60443 (VCV000060443.1).